The following is an entry in ClinVar:

NM_000384.3(APOB):c.8621T>C (p.Ile2874Thr)

Gene: APOB (apolipoprotein B; minus strand). Cytogenetic location: 2p24.1.
Variant type: single nucleotide variant.
Coding change: c.8621T>C on transcript NM_000384.3 (MANE Select); coding-DNA position 8621, T replaced by C.
Protein change: p.Ile2874Thr; replaces isoleucine 2874 with threonine.
Molecular consequence: missense variant.
Genome position (GRCh38, 1-based): chr2:21,008,247, A>G on the plus strand (T>C on the coding strand, the complement: APOB is on the minus strand). VCF-style: chr2-21008247-A-G. GRCh37 (hg19) VCF-style: chr2-21231119-A-G.
Other names: c.8621T>C (NM_000384.2); short protein forms I2874T.
Identifiers: ClinVar variation 1014553 (VCV001014553.10), dbSNP rs370585830, ClinGen allele CA43500165.

ClinVar aggregate classification (germline): Uncertain significance. Review status: criteria provided, multiple submitters, no conflicts (2 of 4 stars). 3 submissions from 3 submitters: Uncertain significance (3). Last evaluated 2026-07-01.

Conditions:
Hypercholesterolemia, autosomal dominant, type B (FHCL2). Also called: Familial hypercholesterolemia 2; Familial Hypercholesterolemia Type B; Hyperlipoproteinemia Type IIb; APOB-Related Familial Hypercholesterolemia, Autosomal Dominant; APOLIPOPROTEIN B-100, FAMILIAL DEFECTIVE; APOLIPOPROTEIN B-100, FAMILIAL LIGAND-DEFECTIVE. Identifiers: MedGen C1704417, MONDO:0007751, OMIM 144010.
Familial hypobetalipoproteinemia 1. Also called: Hypobetalipoproteinemia, normotriglyceridemic; Acanthocytosis with hypobetalipoproteinemia; APOB-Related Familial Hypobetalipoproteinemia. Identifiers: MedGen C4551990, MONDO:0014252, OMIM 615558.
Cardiovascular phenotype. Identifiers: MedGen CN230736.

Allele frequency attached by ClinVar (database versions not stated): gnomAD 0.00001; TOPMed 0.00001; ESP Exome Variant Server 0.00008.

Submissions (3):

Ambry Genetics
Classification: Uncertain significance for Cardiovascular phenotype. Last evaluated: 2026-07-01. Review status: criteria provided, single submitter. Criteria: Ambry Variant Classification Scheme 2023. Collection method: clinical testing. Allele origin: germline.
Comment: The p.I2874T variant (also known as c.8621T>C), located in coding exon 26 of the APOB gene, results from a T to C substitution at nucleotide position 8621. The isoleucine at codon 2874 is replaced by threonine, an amino acid with similar properties. This amino acid position is conserved. In addition, this alteration is predicted to be tolerated by in silico analysis. Based on the available evidence, the clinical significance of this variant remains unclear.

Blueprint Genetics
Classification: Uncertain significance. Last evaluated: 2022-04-20. Review status: criteria provided, single submitter. Criteria: ACMG Guidelines, 2015. Collection method: clinical testing. Allele origin: germline.

Labcorp Genetics (formerly Invitae), Labcorp
Classification: Uncertain significance for Familial hypobetalipoproteinemia 1; Hypercholesterolemia, autosomal dominant, type B. Last evaluated: 2021-08-24. Review status: criteria provided, single submitter. Criteria: Invitae Variant Classification Sherloc (09022015). Collection method: clinical testing. Allele origin: germline.
Comment: This sequence change replaces isoleucine with threonine at codon 2874 of the APOB protein (p.Ile2874Thr). The isoleucine residue is weakly conserved and there is a moderate physicochemical difference between isoleucine and threonine. This variant is not present in population databases (ExAC no frequency). This missense change has been observed in individual(s) with clinical features of hypercholesterolemia (Invitae). Algorithms developed to predict the effect of missense changes on protein structure and function output the following: SIFT: "Tolerated"; PolyPhen-2: "Benign"; Align-GVGD: "Class C0". The threonine amino acid residue is found in multiple mammalian species, which suggests that this missense change does not adversely affect protein function. In summary, the available evidence is currently insufficient to determine the role of this variant in disease. Therefore, it has been classified as a Variant of Uncertain Significance.